The following is an entry in ClinVar:

NM_006415.4(SPTLC1):c.940A>G (p.Ile314Val)

Gene: SPTLC1 (serine palmitoyltransferase long chain base subunit 1; minus strand). Cytogenetic location: 9q22.31.
Variant type: single nucleotide variant.
Coding change: c.940A>G on transcript NM_006415.4 (MANE Select); coding-DNA position 940, A replaced by G.
Protein change: p.Ile314Val; replaces isoleucine 314 with valine.
Molecular consequence: missense variant.
Genome position (GRCh38, 1-based): chr9:92,047,657, T>C on the plus strand (A>G on the coding strand, the complement: SPTLC1 is on the minus strand). VCF-style: chr9-92047657-T-C. GRCh37 (hg19) VCF-style: chr9-94809939-T-C.
Other names: c.940A>G, p.Ile314Val (NM_001281303.2); c.574A>G, p.Ile192Val (NM_001368272.1); c.475A>G, p.Ile159Val (NM_001368273.1); short protein forms I314V, I159V, I192V.
Identifiers: ClinVar variation 1405754 (VCV001405754.12), dbSNP rs199609730, ClinGen allele CA5121376.

ClinVar aggregate classification (germline): Conflicting classifications of pathogenicity. Review status: criteria provided, conflicting classifications (1 of 4 stars). 2 submissions from 2 submitters: Uncertain significance (1); Likely benign (1). Last evaluated 2026-03-01.

Conditions:
Hereditary sensory and autonomic neuropathy type 1 (HSAN1). Also called: HSAN 1; HSN Type I; Hereditary Sensory Neuropathy Type I. Identifiers: Orphanet 36386, MedGen C0020071, MONDO:0018213.

Allele frequency attached by ClinVar (database versions not stated): gnomAD 0.00005; 1000 Genomes Project 0.00020; ExAC 0.00004; TOPMed 0.00005; ESP Exome Variant Server 0.00008; 1000 Genomes Project 30x 0.00016.
gnomAD v4.1: 37 of 1,613,920 alleles (0.0023%); highest among the groups gnomAD compares: African/African-American, 0.0067%; no homozygotes.

Submissions (2):

CeGaT Center for Human Genetics Tuebingen
Classification: Likely benign. Last evaluated: 2026-03-01. Review status: criteria provided, single submitter. Criteria: CeGaT Center For Human Genetics Tuebingen Variant Classification Criteria Version 2. Collection method: clinical testing. Allele origin: germline. Affected: yes. Observed: 1 variant allele.
Comment: SPTLC1: BP4

Labcorp Genetics (formerly Invitae), Labcorp
Classification: Uncertain significance for Hereditary sensory and autonomic neuropathy type 1. Last evaluated: 2025-08-26. Review status: criteria provided, single submitter. Criteria: Invitae Variant Classification Sherloc (09022015). Collection method: clinical testing. Allele origin: germline.
Comment: This sequence change replaces isoleucine, which is neutral and non-polar, with valine, which is neutral and non-polar, at codon 314 of the SPTLC1 protein (p.Ile314Val). This variant is present in population databases (rs199609730, gnomAD 0.02%). This variant has not been reported in the literature in individuals affected with SPTLC1-related conditions. ClinVar contains an entry for this variant (Variation ID: 1405754). Invitae Evidence Modeling of protein sequence and biophysical properties (such as structural, functional, and spatial information, amino acid conservation, physicochemical variation, residue mobility, and thermodynamic stability) indicates that this missense variant is not expected to disrupt SPTLC1 protein function with a negative predictive value of 80%. In summary, the available evidence is currently insufficient to determine the role of this variant in disease. Therefore, it has been classified as a Variant of Uncertain Significance.